The following is an entry in ClinVar:

NM_016239.4(MYO15A):c.2452C>A (p.Arg818Ser)

Gene: MYO15A (myosin XVA; plus strand). Cytogenetic location: 17p11.2.
Variant type: single nucleotide variant.
Coding change: c.2452C>A on transcript NM_016239.4 (MANE Select); coding-DNA position 2452, C replaced by A.
Protein change: p.Arg818Ser; replaces arginine 818 with serine.
Molecular consequence: missense variant.
Genome position (GRCh38, 1-based): chr17:18,121,252, C>A. VCF-style: chr17-18121252-C-A. GRCh37 (hg19) VCF-style: chr17-18024566-C-A.
Other names: short protein forms R818S.
Identifiers: ClinVar variation 1028014 (VCV001028014.1), dbSNP rs1424289379, ClinGen allele CA398584268.

ClinVar aggregate classification (germline): Uncertain significance (1 of 4 stars; one submission).

Conditions:
Autosomal recessive nonsyndromic hearing loss 3. Also called: NEUROSENSORY NONSYNDROMIC RECESSIVE DEAFNESS 3. Identifiers: Orphanet 90636, MedGen C1838263, MONDO:0010860, OMIM 600316.

Allele frequency attached by ClinVar (database versions not stated): gnomAD exomes 0.00001.

Submission:

Baylor Genetics
Classification: Uncertain significance for Autosomal recessive nonsyndromic hearing loss 3. Last evaluated: 2019-05-16. Review status: criteria provided, single submitter. Criteria: ACMG Guidelines, 2015. Collection method: clinical testing. Allele origin: unknown. Affected: yes.
Comment: This variant was determined to be of uncertain significance according to ACMG Guidelines, 2015 [PMID:25741868].